The following is an entry in ClinVar:

NM_015213.4(DENND5A):c.1568G>A (p.Arg523His)

Gene: DENND5A (DENN domain containing 5A; minus strand). Cytogenetic location: 11p15.4.
Variant type: single nucleotide variant.
Coding change: c.1568G>A on transcript NM_015213.4 (MANE Select); coding-DNA position 1568, G replaced by A.
Protein change: p.Arg523His; replaces arginine 523 with histidine.
Molecular consequence: missense variant. On other transcripts: non-coding transcript variant (1).
Genome position (GRCh38, 1-based): chr11:9,178,961, C>T on the plus strand (G>A on the coding strand, the complement: DENND5A is on the minus strand). VCF-style: chr11-9178961-C-T. GRCh37 (hg19) VCF-style: chr11-9200508-C-T.
Other names: c.1568G>A, p.Arg523His (NM_001243254.2, NM_001348748.1); c.1496G>A, p.Arg499His (NM_001348749.2); c.1280G>A, p.Arg427His (NM_001348750.2); short protein forms R523H, R499H, R427H.
Identifiers: ClinVar variation 1933901 (VCV001933901.5), dbSNP rs779638719, ClinGen allele CA5877562.
Genomic context (GRCh38, chr11:9,178,961, plus strand): 5'-TCCTTATCCTGGCTGGGTTGGATGACAAACACCTCATAATCTGCAAACATCTGAGTGAAA[C>T]GATTTGCAAAAACTTCCCGGATCTGAATGTTTAGCTGGTAAATCCTGAGTTCTTCTTCAT-3'
Protein context (NP_056028.2, residues 513-533): NIQIREVFAN[Arg523His]FTQMFADYEV

ClinVar aggregate classification (germline): Uncertain significance (1 of 4 stars; one submission).

Allele frequency attached by ClinVar (database versions not stated): TOPMed below 0.00001; ExAC 0.00001; gnomAD 0.00001.
gnomAD v4.1: 8 of 1,613,954 alleles (0.0005%); highest among the groups gnomAD compares: Middle Eastern, 0.016%; no homozygotes.

Submission:

Labcorp Genetics (formerly Invitae), Labcorp
Classification: Uncertain significance. Last evaluated: 2022-03-18. Review status: criteria provided, single submitter. Criteria: Invitae Variant Classification Sherloc (09022015). Collection method: clinical testing. Allele origin: germline.
Comment: In summary, the available evidence is currently insufficient to determine the role of this variant in disease. Therefore, it has been classified as a Variant of Uncertain Significance. Algorithms developed to predict the effect of missense changes on protein structure and function are either unavailable or do not agree on the potential impact of this missense change (SIFT: "Deleterious"; PolyPhen-2: "Benign"; Align-GVGD: "Class C0"). This variant has not been reported in the literature in individuals affected with DENND5A-related conditions. This variant is present in population databases (rs779638719, gnomAD 0.01%). This sequence change replaces arginine, which is basic and polar, with histidine, which is basic and polar, at codon 523 of the DENND5A protein (p.Arg523His).